The following is an entry in ClinVar:

ClinVar aggregate classification (germline): Uncertain significance (1 of 4 stars; one submission).

Conditions:
Metachromatic leukodystrophy (MLD). Also called: Cerebral sclerosis diffuse metachromatic form; SULFATIDE LIPIDOSIS; ARSA DEFICIENCY; CEREBROSIDE SULFATASE DEFICIENCY; METACHROMATIC LEUKOENCEPHALOPATHY; Arylsulfatase A Deficiency. Identifiers: Orphanet 512, MedGen C0023522, MONDO:0018868, OMIM 250100.

Submission:

Labcorp Genetics (formerly Invitae), Labcorp
Classification: Uncertain significance for Metachromatic leukodystrophy. Last evaluated: 2021-08-28. Review status: criteria provided, single submitter. Criteria: Invitae Variant Classification Sherloc (09022015). Collection method: clinical testing. Allele origin: germline.
Comment: This sequence change replaces leucine with phenylalanine at codon 83 of the ARSA protein (p.Leu83Phe). The leucine residue is moderately conserved and there is a small physicochemical difference between leucine and phenylalanine. This variant is not present in population databases (ExAC no frequency). This variant has not been reported in the literature in individuals affected with ARSA-related conditions. This variant is also known as c.242T>C (p.L81P). Algorithms developed to predict the effect of missense changes on protein structure and function (SIFT, PolyPhen-2, Align-GVGD) all suggest that this variant is likely to be tolerated. In summary, the available evidence is currently insufficient to determine the role of this variant in disease. Therefore, it has been classified as a Variant of Uncertain Significance.

NM_000487.6(ARSA):c.247C>T (p.Leu83Phe)

Gene: ARSA (arylsulfatase A; minus strand). Cytogenetic location: 22q13.33.
Variant type: single nucleotide variant.
Coding change: c.247C>T on transcript NM_000487.6 (MANE Select); coding-DNA position 247, C replaced by T.
Protein change: p.Leu83Phe; replaces leucine 83 with phenylalanine.
Molecular consequence: missense variant. On other transcripts: 5 prime UTR variant (2).
Genome position (GRCh38, 1-based): chr22:50,627,384, G>A on the plus strand (C>T on the coding strand, the complement: ARSA is on the minus strand). VCF-style: chr22-50627384-G-A. GRCh37 (hg19) VCF-style: chr22-51065812-G-A.
Other names: c.247C>T, p.Leu83Phe (NM_001085425.3, NM_001085426.3, NM_001085427.3); c.-12C>T (NM_001085428.3, NM_001362782.2); short protein forms L83F.
Identifiers: ClinVar variation 647697 (VCV000647697.6), dbSNP rs1603445008, ClinGen allele CA412181867.
Genomic context (GRCh38, chr22:50,627,384, plus strand): 5'-GCAGGCCCCCCCGGGAGCTGGGCACCAGGACGCCAGGGTACATGCCCATCCGAACCGGGA[G>A]CCGGCCGGTCAGGAGGGCGGCCCTGCGGGACAAGTCACAGAGTCCCTGAGACAGACAGAA-3'
Protein context (NP_000478.3, residues 73-93): PSRAALLTGR[Leu83Phe]PVRMGMYPGV